The following is an entry in ClinVar:

ClinVar aggregate classification (germline): Conflicting classifications of pathogenicity. Review status: criteria provided, conflicting classifications (1 of 4 stars). 13 submissions from 13 submitters: Uncertain significance (7); Likely benign (1). 5 of the submissions do not count toward it. Last evaluated 2025-11-09.

Conditions:
Gallbladder disease 4 (GBD4). Identifiers: MedGen C1969115, MONDO:1010151, OMIM 611465.
Sitosterolemia 1. Identifiers: MedGen C2749759, MONDO:0020747, OMIM 210250.
Cardiovascular phenotype. Identifiers: MedGen CN230736.
ABCG8-related disorder. Also called: ABCG8-related condition.

Allele frequency attached by ClinVar (database versions not stated): gnomAD 0.00035 and 0.00036; ESP Exome Variant Server 0.00038; ExAC 0.00047; gnomAD exomes 0.00052 and 0.00056.

Submissions (13):

Labcorp Genetics (formerly Invitae), Labcorp
Classification: Likely benign. Last evaluated: 2025-11-09. Review status: criteria provided, single submitter. Criteria: Invitae Variant Classification Sherloc (09022015). Collection method: clinical testing. Allele origin: germline.

Mayo Clinic Laboratories, Mayo Clinic
Classification: Uncertain significance. Last evaluated: 2025-08-18. Review status: criteria provided, single submitter. Criteria: ACMG Guidelines, 2015. Collection method: clinical testing. Allele origin: germline. Observed: 9 variant alleles.
Comment: PM1_supporting

Ambry Genetics
Classification: Uncertain significance for Cardiovascular phenotype. Last evaluated: 2025-05-07. Review status: criteria provided, single submitter. Criteria: Ambry Variant Classification Scheme 2023. Collection method: clinical testing. Allele origin: germline.
Comment: The p.Y479C variant (also known as c.1436A>G), located in coding exon 10 of the ABCG8 gene, results from an A to G substitution at nucleotide position 1436. The tyrosine at codon 479 is replaced by cysteine, an amino acid with highly dissimilar properties. This alteration was reported as heterozygous in an individual with no clinical symptoms of sitosterolemia (Rivera-Nieto C et al. Interdiscip J Gastroenterol Hepatol Endoscopy. 2019;2(1):1-3), and was also detected in a dyslipidemia cohort; however, details were limited (Dron JS et al. BMC Med Genomics. 2020 02;13(1):23; Reeskamp LF et al. J Clin Lipidol, 2020 Jan;14:207-217.e7). This amino acid position is well conserved in available vertebrate species. In addition, the in silico prediction for this alteration is inconclusive. Since supporting evidence is limited at this time, the clinical significance of this alteration remains unclear.

CeGaT Center for Human Genetics Tuebingen
Classification: Uncertain significance. Last evaluated: 2025-05-01. Review status: criteria provided, single submitter. Criteria: CeGaT Center For Human Genetics Tuebingen Variant Classification Criteria Version 2. Collection method: clinical testing. Allele origin: germline. Affected: yes. Observed: 3 variant alleles.

Revvity Omics, Revvity
Classification: Uncertain significance for Sitosterolemia 1. Last evaluated: 2024-09-30. Review status: criteria provided, single submitter. Criteria: ACMG Guidelines, 2015. Collection method: clinical testing. Allele origin: germline.

GeneDx
Classification: Uncertain significance. Last evaluated: 2024-02-15. Review status: criteria provided, single submitter. Criteria: GeneDx Variant Classification Process June 2021. Collection method: clinical testing. Allele origin: germline.
Comment: Identified in large cohorts of patients with familial hypercholesterolemia; however, the number of additional gene variants in each affected individual is unknown (PMID: 32088153, 32041611); In silico analysis supports that this missense variant has a deleterious effect on protein structure/function; This variant is associated with the following publications: (PMID: 32041611, 32088153)

Fulgent Genetics
Classification: Uncertain significance for Sitosterolemia 1; Gallbladder disease 4. Last evaluated: 2021-09-14. Review status: criteria provided, single submitter. Criteria: ACMG Guidelines, 2015. Collection method: clinical testing. Allele origin: unknown.

Eurofins Ntd Llc (ga)
Classification: Uncertain significance. Last evaluated: 2018-06-21. Review status: criteria provided, single submitter. Criteria: EGL ClinVar v180209 classification definitions. Collection method: clinical testing. Allele origin: germline. Observed: 5 variant alleles, 5 heterozygotes.

PreventionGenetics, part of Exact Sciences
Classification: Likely benign for ABCG8-related condition. Last evaluated: 2024-04-16. Review status: no assertion criteria provided. Collection method: clinical testing. Allele origin: germline. Not counted in ClinVar's aggregate classification.
Comment: This variant is classified as likely benign based on ACMG/AMP sequence variant interpretation guidelines (Richards et al. 2015 PMID: 25741868, with internal and published modifications).

Zotz-Klimas Genetics Lab, MVZ Zotz Klimas
Classification: Uncertain significance for Sitosterolemia 1. Last evaluated: 2023-10-09. Review status: no assertion criteria provided. Collection method: clinical testing. Allele origin: germline. Affected: yes. Not counted in ClinVar's aggregate classification.

Clinical Genetics DNA and cytogenetics Diagnostics Lab, Erasmus MC, Erasmus Medical Center
Classification: Uncertain significance. Review status: no assertion criteria provided. Collection method: clinical testing. Allele origin: germline. Affected: yes. Study: VKGL Data-share Consensus. Not counted in ClinVar's aggregate classification.

Clinical Genetics, Academic Medical Center
Classification: Uncertain significance. Review status: no assertion criteria provided. Collection method: clinical testing. Allele origin: germline. Affected: yes. Study: VKGL Data-share Consensus. Not counted in ClinVar's aggregate classification.

Diagnostic Laboratory, Department of Genetics, University Medical Center Groningen
Classification: Uncertain significance. Review status: no assertion criteria provided. Collection method: clinical testing. Allele origin: germline. Affected: yes. Study: VKGL Data-share Consensus. Not counted in ClinVar's aggregate classification.

Literature cited by the submitters: PubMed 32041611 (cited by Ambry Genetics); PubMed 32088153 (cited by Ambry Genetics).

NM_022437.3(ABCG8):c.1436A>G (p.Tyr479Cys)

Gene: ABCG8 (ATP binding cassette subfamily G member 8; plus strand). Cytogenetic location: 2p21.
Variant type: single nucleotide variant.
Coding change: c.1436A>G on transcript NM_022437.3 (MANE Select); coding-DNA position 1436, A replaced by G.
Protein change: p.Tyr479Cys; replaces tyrosine 479 with cysteine.
Molecular consequence: missense variant.
Genome position (GRCh38, 1-based): chr2:43,874,431, A>G. VCF-style: chr2-43874431-A-G. GRCh37 (hg19) VCF-style: chr2-44101570-A-G.
Other names: c.1433A>G, p.Tyr478Cys (NM_001357321.2); short protein forms Y479C, Y478C.
Identifiers: ClinVar variation 282034 (VCV000282034.57), dbSNP rs150890296, ClinGen allele CA1637453.
Genomic context (GRCh38, chr2:43,874,431, plus strand): 5'-CTTCTTCATTCTCTTTTCCTTTCCCTTACTTTTTAGGTTACTCAGAGAGGGCAATGCTTT[A>G]CTATGAACTGGAAGACGGGCTGTACACCACTGGTCCATATTTCTTTGCCAAGGTGACTGG-3'
Protein context (NP_071882.1, residues 469-489): SKCYSERAML[Tyr479Cys]YELEDGLYTT